The following is an entry in ClinVar:

NM_004928.3(CFAP410):c.616G>A (p.Asp206Asn)

Gene: CFAP410 (cilia and flagella associated protein 410; minus strand). Cytogenetic location: 21q22.3.
Variant type: single nucleotide variant.
Coding change: c.616G>A on transcript NM_004928.3 (MANE Select); coding-DNA position 616, G replaced by A.
Protein change: p.Asp206Asn; replaces aspartic acid 206 with asparagine.
Molecular consequence: missense variant.
Genome position (GRCh38, 1-based): chr21:44,330,849, C>T on the plus strand (G>A on the coding strand, the complement: CFAP410 is on the minus strand). VCF-style: chr21-44330849-C-T. GRCh37 (hg19) VCF-style: chr21-45750732-C-T.
Other names: c.613G>A, p.Asp205Asn (NM_001271440.2, NM_001271441.2); c.490G>A, p.Asp164Asn (NM_001271442.1); short protein forms D206N, D164N, D205N.
Identifiers: ClinVar variation 1444565 (VCV001444565.6), dbSNP rs923480034, ClinGen allele CA321783690.

ClinVar aggregate classification (germline): Uncertain significance. Review status: criteria provided, multiple submitters, no conflicts (2 of 4 stars). 2 submissions from 2 submitters: Uncertain significance (2). Last evaluated 2022-09-27.

Allele frequency attached by ClinVar (database versions not stated): gnomAD exomes below 0.00001; TOPMed below 0.00001.

Submissions (2):

Labcorp Genetics (formerly Invitae), Labcorp
Classification: Uncertain significance. Last evaluated: 2022-09-27. Review status: criteria provided, single submitter. Criteria: Invitae Variant Classification Sherloc (09022015). Collection method: clinical testing. Allele origin: germline.
Comment: This sequence change replaces aspartic acid, which is acidic and polar, with asparagine, which is neutral and polar, at codon 206 of the CFAP410 protein (p.Asp206Asn). This variant is not present in population databases (gnomAD no frequency). This variant has not been reported in the literature in individuals affected with CFAP410-related conditions. ClinVar contains an entry for this variant (Variation ID: 1444565). Advanced modeling of protein sequence and biophysical properties (such as structural, functional, and spatial information, amino acid conservation, physicochemical variation, residue mobility, and thermodynamic stability) performed at Invitae indicates that this missense variant is not expected to disrupt CFAP410 protein function. In summary, the available evidence is currently insufficient to determine the role of this variant in disease. Therefore, it has been classified as a Variant of Uncertain Significance.

Blueprint Genetics
Classification: Uncertain significance. Last evaluated: 2022-09-12. Review status: criteria provided, single submitter. Criteria: ACMG Guidelines, 2015. Collection method: clinical testing. Allele origin: germline.